The following is an entry in ClinVar:

NM_001321527.2(GPAT2):c.78G>A (p.Ser26=)

Gene: GPAT2 (glycerol-3-phosphate acyltransferase 2, mitochondrial). Cytogenetic location: 2q11.2.
Variant type: single nucleotide variant.
Coding change: c.78G>A on transcript NM_001321527.2 (MANE Select); coding-DNA position 78, G replaced by A.
Protein change: p.Ser26=; no amino-acid change (serine 26 retained).
Molecular consequence: synonymous variant.
Genome position (GRCh38, 1-based): chr2:96,032,132, C>T on the plus strand (G>A on the coding strand, the complement: GPAT2 is on the minus strand). VCF-style: chr2-96032132-C-T. GRCh37 (hg19) VCF-style: chr2-96697880-C-T.
Other names: c.78G>A, p.Ser26= (NM_001321525.2, NM_001321526.2, NM_001321528.2 and 5 more transcripts).
Identifiers: ClinVar variation 2651137 (VCV002651137.24), dbSNP rs201682982, ClinGen allele CA1775722.
Genomic context (GRCh38, chr2:96,032,132, plus strand): 5'-AAAGGGGCGATACTTCCCCAGGAATGGAGTGACAGCCTCCAGCTTCATCCCAAAGCCTGA[C>T]GACCACAGGCTAGCCTGGAAAGGGCGATGAGGAGAGATGAGAGGACTCAAAGTCCTTGGC-3'
Protein context (NP_001308456.1, residues 16-36): SPSGREASLW[Ser26=]SGFGMKLEAV

ClinVar aggregate classification (germline): Likely benign (1 of 4 stars; one submission).

Allele frequency attached by ClinVar (database versions not stated): ExAC 0.00005; gnomAD 0.00006.

Submission:

CeGaT Center for Human Genetics Tuebingen
Classification: Likely benign. Last evaluated: 2022-10-01. Review status: criteria provided, single submitter. Criteria: CeGaT Center For Human Genetics Tuebingen Variant Classification Criteria Version 2. Collection method: clinical testing. Allele origin: germline. Affected: yes. Observed: 1 variant allele.
Comment: GPAT2: BP4, BP7